The following is an entry in ClinVar:

NM_004006.3(DMD):c.4845G>C (p.Lys1615Asn)

Gene: DMD (dystrophin; minus strand). Cytogenetic location: Xp21.1.
Variant type: single nucleotide variant.
Coding change: c.4845G>C on transcript NM_004006.3 (MANE Select); coding-DNA position 4845, G replaced by C.
Protein change: p.Lys1615Asn; replaces lysine 1615 with asparagine.
Molecular consequence: missense variant.
Genome position (GRCh38, 1-based): chrX:32,380,510, C>G on the plus strand (G>C on the coding strand, the complement: DMD is on the minus strand). VCF-style: chrX-32380510-C-G. GRCh37 (hg19) VCF-style: chrX-32398627-C-G.
Other names: c.4821G>C, p.Lys1607Asn (NM_000109.4); c.4833G>C, p.Lys1611Asn (NM_004009.3); c.4476G>C, p.Lys1492Asn (NM_004010.3); c.822G>C, p.Lys274Asn (NM_004011.4); c.813G>C, p.Lys271Asn (NM_004012.4); short protein forms K1492N, K1607N, K271N, K1611N, K1615N, K274N.
Identifiers: ClinVar variation 948763 (VCV000948763.11), dbSNP rs1557315896, ClinGen allele CA412660882.

ClinVar aggregate classification (germline): Uncertain significance (1 of 4 stars; one submission).

Conditions:
Duchenne muscular dystrophy (DMD). Also called: MUSCULAR DYSTROPHY, PSEUDOHYPERTROPHIC PROGRESSIVE, DUCHENNE TYPE; Duchenne Muscular Dystrophy (DMD). Identifiers: Orphanet 98896, MedGen C0013264, MONDO:0010679, OMIM 310200.

Submissions (2):

Labcorp Genetics (formerly Invitae), Labcorp
Classification: Uncertain significance for Duchenne muscular dystrophy. Last evaluated: 2019-05-14. Review status: criteria provided, single submitter. Criteria: Invitae Variant Classification Sherloc (09022015). Collection method: clinical testing. Allele origin: germline.
Comment: This variant is not present in population databases (ExAC no frequency). This variant has not been reported in the literature in individuals with DMD-related conditions. Algorithms developed to predict the effect of missense changes on protein structure and function are either unavailable or do not agree on the potential impact of this missense change (SIFT: "Deleterious"; PolyPhen-2: "Possibly Damaging"; Align-GVGD: "Class C0"). Nucleotide substitutions within the consensus splice site are a relatively common cause of aberrant splicing (PMID: 17576681, 9536098). Algorithms developed to predict the effect of sequence changes on RNA splicing suggest that this variant may disrupt the consensus splice site, but this prediction has not been confirmed by published transcriptional studies. In summary, the available evidence is currently insufficient to determine the role of this variant in disease. Therefore, it has been classified as a Variant of Uncertain Significance. This sequence change replaces lysine with asparagine at codon 1615 of the DMD protein (p.Lys1615Asn). The lysine residue is highly conserved and there is a moderate physicochemical difference between lysine and asparagine. This variant also falls at the last nucleotide of exon 34 of the DMD coding sequence, which is part of the consensus splice site for this exon.

Dr. Peter K. Rogan Lab, Western University
No classification provided (evidence only). Condition: Nonpapillary renal cell carcinoma. Review status: no classification provided. Collection method: in vitro. Allele origin: not applicable. Functional consequence: retained intron. Not counted in ClinVar's aggregate classification.

Literature cited by the submitters: PubMed 17576681 (cited by Labcorp Genetics (formerly Invitae), Labcorp); PubMed 9536098 (cited by Labcorp Genetics (formerly Invitae), Labcorp).